The following is an entry in ClinVar:

ClinVar aggregate classification (somatic clinical impact): Tier II - Potential (1 of 4 stars; one submission).

Conditions:
Rhabdomyosarcoma. Also called: Rhabdomyosarcoma (disease). Identifiers: Orphanet 780, MedGen C0035412, MeSH D012208, MONDO:0005212, HP:0002859.

Submission:

Institute for Genomic Medicine (IGM) Clinical Laboratory, Nationwide Children's Hospital
Classification: Tier II - Potential for Rhabdomyosarcoma. Assertion type: diagnostic. Clinical significance: supports diagnosis. Last evaluated: 2023-11-28. Review status: criteria provided, single submitter. Criteria: AMP/ASCO/CAP Guidelines, 2017. Collection method: clinical testing. Allele origin: somatic. Affected: yes.
Comment: Variant has Tier II (potential) clinical significance as a diagnostic inclusion criterion in rhabdomyosarcoma, based on the following evidence: 1) Assists in diagnosis alone or along with other biomarkers based on small studies or few case reports (Evidence Level D; PMIDs: 26823695, 31949721, 30098515).

Literature cited by the submitters: PubMed 26823695; PubMed 31949721; PubMed 30098515.

NM_002479.6(MYOG):c.303del (p.Phe101fs)

Genes: MYOG (myogenin; minus strand), MYOPARR (myogenin promoter associated myogenic regulatory antisense long non coding RNA; plus strand). Cytogenetic location: 1q32.1.
Variant type: Deletion.
Coding change: c.303del on transcript NM_002479.6 (MANE Select); coding-DNA position 303, one base deleted (C; older notation c.303delC).
Protein change: p.Phe101fs; shifts the reading frame from phenylalanine 101.
Molecular consequence: frameshift variant.
Genome position (GRCh38, 1-based): chr1:203,085,659, G deleted on the plus strand (C on the coding strand, the reverse complement: MYOG is on the minus strand). VCF-style (leftmost placement, unchanged base first): chr1-203085658-CG-C. GRCh37 (hg19) VCF-style: chr1-203054786-CG-C.
Other names: short protein forms F101fs.
Identifiers: ClinVar variation 4530456 (VCV004530456.1).
Genomic context (GRCh38, chr1:203,085,658, plus strand): 5'-GGATCTCCACCTTGGGCAGCCGCTGGTTGGGGTTGAGCAGGGTGCTTCTCTTCAGGGCCT[CG>C]AAGGCCTCATTCACCTTCTTGAGCCTGCGCTTCTCCCTCAGTGTGGCCGCCCGCCGCCGG-3'